The following is an entry in ClinVar:

NM_021008.4(DEAF1):c.1126+1G>C

Gene: DEAF1 (DEAF1 transcription factor; minus strand). Cytogenetic location: 11p15.5.
Variant type: single nucleotide variant.
Coding change: c.1126+1G>C on transcript NM_021008.4 (MANE Select); the canonical splice donor site of the intron after coding-DNA position 1126, G replaced by C.
Molecular consequence: splice donor variant.
Genome position (GRCh38, 1-based): chr11:679,687, C>G on the plus strand (G>C on the coding strand, the complement: DEAF1 is on the minus strand). VCF-style: chr11-679687-C-G. GRCh37 (hg19) VCF-style: chr11-679687-C-G.
Other names: c.400+1G>C (NM_001367390.1, NM_001440885.1, NM_001440887.1 and 1 more transcripts); c.859+1G>C (NM_001293634.2); c.1126+1G>C (NM_001440884.1, NM_001440883.1).
Identifiers: ClinVar variation 4533265 (VCV004533265.1).

ClinVar aggregate classification (germline): Likely pathogenic (1 of 4 stars; one submission).

Conditions:
Intellectual disability, autosomal dominant 24 (VSVS). Also called: VULTO-VAN SILFHOUT-DE VRIES SYNDROME. Identifiers: MedGen C4014414, MONDO:0014357, OMIM 615828.

Submission:

Diagnostics Services (NGS), CSIR - Centre For Cellular And Molecular Biology
Classification: Likely pathogenic for Intellectual disability, autosomal dominant 24. Last evaluated: 2025-10-31. Review status: criteria provided, single submitter. Criteria: ACMG Guidelines, 2015. Collection method: clinical testing. Allele origin: germline. Affected: yes. Observed: 1 variant allele, 1 heterozygote.
Comment: The c.1126+1G>C variant is not present in publicly available population databases like 1000 Genomes, EVS, gnomAD, Indian Exome Database or our internal database. This variant has neither been published in the literature for DEAF1-related conditions nor reported to clinical databases like Human Genome Mutation database (HGMD), OMIM, or ClinVar in any affected individuals. Algorithms developed to predict the effect of sequence changes on RNA splicing suggest that this variant can disrupt the consensus splice site. In-silico pathogenicity prediction programs like HSF3.1, MutationTaster2, CADD, Varsome etc predicted the variant to be likely deleterious, however these predictions were not confirmed by published functional/translational studies.